The following is an entry in ClinVar:

ClinVar aggregate classification (germline): Uncertain significance (1 of 4 stars; one submission).

Conditions:
Inborn genetic diseases. Identifiers: MedGen C0950123, MeSH D030342.

Submission:

Ambry Genetics
Classification: Uncertain significance for Inborn genetic diseases. Last evaluated: 2025-06-13. Review status: criteria provided, single submitter. Criteria: Ambry Variant Classification Scheme 2023. Collection method: clinical testing. Allele origin: germline.
Comment: The p.R849G variant (also known as c.2545A>G), located in coding exon 9 of the MECOM gene, results from an A to G substitution at nucleotide position 2545. The arginine at codon 849 is replaced by glycine, an amino acid with dissimilar properties. This amino acid position is conserved. In addition, the in silico prediction for this alteration is inconclusive. Based on the available evidence, the clinical significance of this variant remains unclear.

NM_004991.4(MECOM):c.2545A>G (p.Arg849Gly)

Gene: MECOM (MDS1 and EVI1 complex locus; minus strand). Cytogenetic location: 3q26.2.
Variant type: single nucleotide variant.
Coding change: c.2545A>G on transcript NM_004991.4 (MANE Select); coding-DNA position 2545, A replaced by G.
Protein change: p.Arg849Gly; replaces arginine 849 with glycine.
Molecular consequence: missense variant.
Genome position (GRCh38, 1-based): chr3:169,112,819, T>C on the plus strand (A>G on the coding strand, the complement: MECOM is on the minus strand). VCF-style: chr3-169112819-T-C. GRCh37 (hg19) VCF-style: chr3-168830607-T-C.
Other names: c.2176A>G, p.Arg726Gly (NM_001105077.4); c.1981A>G, p.Arg661Gly (NM_001105078.4, NM_001164000.2, NM_001205194.2 and 4 more transcripts); c.1984A>G, p.Arg662Gly (NM_001163999.2, NM_001366467.2, NM_001366468.2 and 1 more transcripts); c.2545A>G, p.Arg849Gly (NM_001366466.2); c.1573A>G, p.Arg525Gly (NM_001366473.2); c.1009A>G, p.Arg337Gly (NM_001366474.2); short protein forms R661G, R525G, R337G, R726G, R849G, R662G.
Identifiers: ClinVar variation 4053344 (VCV004053344.1).
Genomic context (GRCh38, chr3:169,112,819, plus strand): 5'-CTGGAAATCTCAAATCCAAAATACTTACTTGTGGGTGAAACAAGAATCCTGGAGAAGGCC[T>C]CAAGTATTTCTCTTTTAAAGCTTCAAGTGGGTCAGTTAGTTTTCTTTTCTCTACTCTGAA-3'
Protein context (NP_004982.2, residues 839-859): PLEALKEKYL[Arg849Gly]PSPGFLFHPQ